The following is an entry in ClinVar:

ClinVar aggregate classification (germline): Uncertain significance (1 of 4 stars; one submission).

Conditions:
Methylcobalamin deficiency type cblG (HMAG). Also called: HOMOCYSTINURIA-MEGALOBLASTIC ANEMIA DUE TO DEFECT IN COBALAMIN METABOLISM, cblG COMPLEMENTATION TYPE; HOMOCYSTINURIA-MEGALOBLASTIC ANEMIA, cblG COMPLEMENTATION TYPE; Functional methionine synthase deficiency type cblG; HOMOCYSTINURIA-MEGALOBLASTIC ANEMIA, cblG TYPE. Identifiers: Orphanet 2170, Orphanet 622, MedGen C1855128, MONDO:0009609, OMIM 250940.

Submission:

Labcorp Genetics (formerly Invitae), Labcorp
Classification: Uncertain significance for Methylcobalamin deficiency type cblG. Last evaluated: 2022-06-11. Review status: criteria provided, single submitter. Criteria: Invitae Variant Classification Sherloc (09022015). Collection method: clinical testing. Allele origin: germline.
Comment: In summary, the available evidence is currently insufficient to determine the role of this variant in disease. Therefore, it has been classified as a Variant of Uncertain Significance. Algorithms developed to predict the effect of missense changes on protein structure and function are either unavailable or do not agree on the potential impact of this missense change (SIFT: "Deleterious"; PolyPhen-2: "Probably Damaging"; Align-GVGD: "Class C0"). This variant has not been reported in the literature in individuals affected with MTR-related conditions. This variant is not present in population databases (gnomAD no frequency). This sequence change replaces leucine, which is neutral and non-polar, with proline, which is neutral and non-polar, at codon 1026 of the MTR protein (p.Leu1026Pro).

NM_000254.3(MTR):c.3077T>C (p.Leu1026Pro)

Gene: MTR (5-methyltetrahydrofolate-homocysteine methyltransferase; plus strand). Cytogenetic location: 1q43.
Variant type: single nucleotide variant.
Coding change: c.3077T>C on transcript NM_000254.3 (MANE Select); coding-DNA position 3077, T replaced by C.
Protein change: p.Leu1026Pro; replaces leucine 1026 with proline.
Molecular consequence: missense variant.
Genome position (GRCh38, 1-based): chr1:236,891,202, T>C. VCF-style: chr1-236891202-T-C. GRCh37 (hg19) VCF-style: chr1-237054502-T-C.
Other names: c.2924T>C, p.Leu975Pro (NM_001291939.1); c.1856T>C, p.Leu619Pro (NM_001291940.2); c.2888T>C, p.Leu963Pro (NM_001410942.1); short protein forms L1026P, L619P, L963P, L975P.
Identifiers: ClinVar variation 2413469 (VCV002413469.6), dbSNP rs2528488449, ClinGen allele CA345387043.